The following is an entry in ClinVar:

NM_004521.3(KIF5B):c.1648C>T (p.Arg550Ter)

Gene: KIF5B (kinesin family member 5B; minus strand). Cytogenetic location: 10p11.22.
Variant type: single nucleotide variant.
Coding change: c.1648C>T on transcript NM_004521.3 (MANE Select); coding-DNA position 1648, C replaced by T.
Protein change: p.Arg550Ter; replaces arginine 550 with a stop codon.
Molecular consequence: nonsense.
Genome position (GRCh38, 1-based): chr10:32,028,505, G>A on the plus strand (C>T on the coding strand, the complement: KIF5B is on the minus strand). VCF-style: chr10-32028505-G-A. GRCh37 (hg19) VCF-style: chr10-32317433-G-A.
Other names: short protein forms R550*.
Identifiers: ClinVar variation 3900082 (VCV003900082.1).
Genomic context (GRCh38, chr10:32,028,505, plus strand): 5'-CCACAGCAATTCCTATTTCTGCAAGGTCTTTTAGTAAAGATGCCATCATCTCAGCTGCTC[G>A]TTTTTTCTGGTGGTTGGTCATTTCCTTAAGTTTCTGAAGCTCAGCATCTATACTCGCTAA-3'

ClinVar aggregate classification (germline): Uncertain significance (1 of 4 stars; one submission).

gnomAD v4.1: 1 of 1,613,376 alleles (0.000062%); highest among the groups gnomAD compares: Non-Finnish European, 0.000085%; no homozygotes.

Submission:

GeneDx
Classification: Uncertain significance. Last evaluated: 2024-11-21. Review status: criteria provided, single submitter. Criteria: GeneDx Variant Classification Process June 2021. Collection method: clinical testing. Allele origin: germline. Affected: yes.
Comment: Not observed at significant frequency in large population cohorts (gnomAD); Nonsense variant predicted to result in protein truncation or nonsense mediated decay in a gene or region of a gene for which loss of function is not a well-established mechanism of disease; Has not been previously published as pathogenic or benign to our knowledge